The following is an entry in ClinVar:

NM_007194.4(CHEK2):c.1195G>A (p.Val399Ile)

Gene: CHEK2 (checkpoint kinase 2; minus strand). Cytogenetic location: 22q12.1.
Variant type: single nucleotide variant.
Coding change: c.1195G>A on transcript NM_007194.4 (MANE Select); coding-DNA position 1195, G replaced by A.
Protein change: p.Val399Ile; replaces valine 399 with isoleucine.
Molecular consequence: missense variant.
Genome position (GRCh38, 1-based): chr22:28,695,774, C>T on the plus strand (G>A on the coding strand, the complement: CHEK2 is on the minus strand). VCF-style: chr22-28695774-C-T. GRCh37 (hg19) VCF-style: chr22-29091762-C-T.
Other names: c.1324G>A, p.Val442Ile (NM_001005735.3); c.532G>A, p.Val178Ile (NM_001257387.3); c.994G>A, p.Val332Ile (NM_001349956.3); c.1108G>A, p.Val370Ile (NM_145862.3); short protein forms V399I, V178I, V370I, V442I, V332I.
Identifiers: ClinVar variation 230645 (VCV000230645.21), dbSNP rs876658682, ClinGen allele CA10581048.

ClinVar aggregate classification (germline): Uncertain significance. Review status: criteria provided, multiple submitters, no conflicts (2 of 4 stars). 6 submissions from 6 submitters: Uncertain significance (6). Last evaluated 2025-12-12.

Conditions:
Familial prostate cancer. Also called: Hereditary Prostate Cancer. Identifiers: MedGen C2931456, MONDO:0700275, OMIM 176807.
CHEK2-related cancer predisposition (TPDS4). Also called: TUMOR PREDISPOSITION SYNDROME 4; CANCER PREDISPOSITION SYNDROME, CHEK2-RELATED; CHEK2-related cancer susceptibility. Identifiers: Orphanet 524, MedGen C5882668, MONDO:0700271, OMIM 609265.
Bone osteosarcoma. Also called: Osteosarcoma, somatic. Identifiers: Orphanet 668, MedGen C0585442, MONDO:0002629, OMIM 259500.
Hereditary cancer-predisposing syndrome. Also called: Neoplastic Syndromes, Hereditary; Tumor predisposition; Hereditary neoplastic syndrome; Hereditary Cancer Syndrome. Identifiers: Orphanet 140162, MedGen C0027672, MeSH D009386, MONDO:0015356.
Hereditary breast ovarian cancer syndrome. Also called: Hereditary breast and ovarian cancer syndrome; Hereditary breast and ovarian cancer syndrome (HBOC); Breast and ovarian cancer; BRCA1- and BRCA2-Associated Hereditary Breast and Ovarian Cancer; Hereditary breast and/or ovarian cancer syndrome; Hereditary breast and ovarian cancer. Identifiers: Orphanet 145, MedGen C0677776, MeSH D061325, MONDO:0003582. Disease mechanism: loss of function.
Familial cancer of breast. Also called: hereditary breast carcinoma; BREAST CANCER, FAMILIAL; Hereditary breast cancer. Identifiers: Orphanet 227535, MedGen C0346153, MONDO:0016419, OMIM 114480. Disease mechanism: loss of function.

Allele frequency attached by ClinVar (database versions not stated): TOPMed below 0.00001; gnomAD 0.00001; gnomAD exomes 0.00001.

Submissions (6):

Labcorp Genetics (formerly Invitae), Labcorp
Classification: Uncertain significance for Familial cancer of breast. Last evaluated: 2025-12-12. Review status: criteria provided, single submitter. Criteria: Invitae Variant Classification Sherloc (09022015). Collection method: clinical testing. Allele origin: germline.
Comment: This sequence change replaces valine, which is neutral and non-polar, with isoleucine, which is neutral and non-polar, at codon 399 of the CHEK2 protein (p.Val399Ile). This variant is not present in population databases (gnomAD no frequency). This variant has not been reported in the literature in individuals affected with CHEK2-related conditions. ClinVar contains an entry for this variant (Variation ID: 230645). An algorithm developed to predict the effect of missense changes on protein structure and function outputs the following: PolyPhen-2: "Benign". The isoleucine amino acid residue is found in multiple mammalian species, which suggests that this missense change does not adversely affect protein function. Experimental studies have shown that this missense change does not substantially affect CHEK2 function (PMID: 37449874). In summary, the available evidence is currently insufficient to determine the role of this variant in disease. Therefore, it has been classified as a Variant of Uncertain Significance.

Ambry Genetics
Classification: Uncertain significance for Hereditary cancer-predisposing syndrome. Last evaluated: 2025-07-03. Review status: criteria provided, single submitter. Criteria: Ambry Variant Classification Scheme 2023. Collection method: clinical testing. Allele origin: germline.
Comment: The p.V399I variant (also known as c.1195G>A), located in coding exon 10 of the CHEK2 gene, results from a G to A substitution at nucleotide position 1195. The valine at codon 399 is replaced by isoleucine, an amino acid with highly similar properties. This amino acid position is poorly conserved in available vertebrate species. In addition, this alteration is predicted to be tolerated by in silico analysis. Since supporting evidence is limited at this time, the clinical significance of this alteration remains unclear.

Fulgent Genetics
Classification: Uncertain significance for Familial prostate cancer; Bone osteosarcoma; CHEK2-related cancer predisposition. Last evaluated: 2024-06-05. Review status: criteria provided, single submitter. Criteria: ACMG Guidelines, 2015. Collection method: clinical testing. Allele origin: germline.

Women's Health and Genetics/Laboratory Corporation of America, LabCorp
Classification: Uncertain significance. Last evaluated: 2019-12-23. Review status: criteria provided, single submitter. Criteria: LabCorp Variant Classification Summary - May 2015. Collection method: clinical testing. Allele origin: germline.
Comment: Variant summary: CHEK2 c.1195G>A (p.Val399Ile) results in a conservative amino acid change located in the Protein kinase domain (IPR000719) of the encoded protein sequence. Five of five in-silico tools predict a benign effect of the variant on protein function. The variant allele was found at a frequency of 3.1e-05 in 260418 control chromosomes (gnomAD and another database). The available data on variant occurrences in the general population are insufficient to allow any conclusion about variant significance. To our knowledge, no occurrence of c.1195G>A in individuals affected with Hereditary Breast and Ovarian Cancer and no experimental evidence demonstrating its impact on protein function have been reported. Two ClinVar submitters (evaluation after 2014) cite the variant as uncertain significance. Based on the evidence outlined above, the variant was classified as uncertain significance.

Mendelics
Classification: Uncertain significance for Familial cancer of breast. Last evaluated: 2019-05-28. Review status: criteria provided, single submitter. Criteria: Mendelics Assertion Criteria 2017. Collection method: clinical testing. Allele origin: unknown.

Cancer Genomics Group, Japanese Foundation For Cancer Research
Classification: Uncertain significance for Hereditary breast and ovarian cancer syndrome. Last evaluated: 2019-05-01. Review status: criteria provided, single submitter. Criteria: ACMG Guidelines, 2015. Collection method: research. Allele origin: germline. Affected: yes.

Literature cited by the submitters: PubMed 37449874 (cited by Labcorp Genetics (formerly Invitae), Labcorp).